The following is an entry in ClinVar:

NM_000059.4(BRCA2):c.22A>G (p.Arg8Gly)

Gene: BRCA2 (BRCA2 DNA repair associated; plus strand). Cytogenetic location: 13q13.1.
Variant type: single nucleotide variant.
Coding change: c.22A>G on transcript NM_000059.4 (MANE Select); coding-DNA position 22, A replaced by G.
Protein change: p.Arg8Gly; replaces arginine 8 with glycine.
Molecular consequence: missense variant.
Genome position (GRCh38, 1-based): chr13:32,316,482, A>G. VCF-style: chr13-32316482-A-G. GRCh37 (hg19) VCF-style: chr13-32890619-A-G.
Other names: c.22A>G (NM_000059.3); short protein forms R8G.
Identifiers: ClinVar variation 1445997 (VCV001445997.9), dbSNP rs2138698171, ClinGen allele CA387752961.

ClinVar aggregate classification (germline): Uncertain significance. Review status: criteria provided, multiple submitters, no conflicts (2 of 4 stars). 2 submissions from 2 submitters: Uncertain significance (2). Last evaluated 2025-02-03.

Conditions:
Hereditary breast ovarian cancer syndrome. Also called: Hereditary breast and ovarian cancer; Hereditary breast and ovarian cancer syndrome; Breast and ovarian cancer; BRCA1- and BRCA2-Associated Hereditary Breast and Ovarian Cancer; Hereditary breast and/or ovarian cancer syndrome; Hereditary breast and ovarian cancer syndrome (HBOC). Identifiers: Orphanet 145, MedGen C0677776, MeSH D061325, MONDO:0003582. Disease mechanism: loss of function.
Hereditary cancer-predisposing syndrome. Also called: Tumor predisposition; Hereditary Cancer Syndrome; Hereditary neoplastic syndrome; Neoplastic Syndromes, Hereditary. Identifiers: Orphanet 140162, MedGen C0027672, MeSH D009386, MONDO:0015356.

Allele frequency attached by ClinVar (database versions not stated): gnomAD exomes below 0.00001.
gnomAD v4.1: 2 of 1,614,122 alleles (0.00012%); highest among the groups gnomAD compares: Non-Finnish European, 0.00017%; no homozygotes.

Submissions (2):

Labcorp Genetics (formerly Invitae), Labcorp
Classification: Uncertain significance for Hereditary breast ovarian cancer syndrome. Last evaluated: 2025-02-03. Review status: criteria provided, single submitter. Criteria: Invitae Variant Classification Sherloc (09022015). Collection method: clinical testing. Allele origin: germline.
Comment: This sequence change replaces arginine, which is basic and polar, with glycine, which is neutral and non-polar, at codon 8 of the BRCA2 protein (p.Arg8Gly). This variant is not present in population databases (gnomAD no frequency). This variant has not been reported in the literature in individuals affected with BRCA2-related conditions. ClinVar contains an entry for this variant (Variation ID: 1445997). Invitae Evidence Modeling of protein sequence and biophysical properties (such as structural, functional, and spatial information, amino acid conservation, physicochemical variation, residue mobility, and thermodynamic stability) indicates that this missense variant is not expected to disrupt BRCA2 protein function with a negative predictive value of 95%. In summary, the available evidence is currently insufficient to determine the role of this variant in disease. Therefore, it has been classified as a Variant of Uncertain Significance.

Ambry Genetics
Classification: Uncertain significance for Hereditary cancer-predisposing syndrome. Last evaluated: 2024-05-24. Review status: criteria provided, single submitter. Criteria: Ambry Variant Classification Scheme 2023. Collection method: clinical testing. Allele origin: germline.
Comment: The p.R8G variant (also known as c.22A>G), located in coding exon 1 of the BRCA2 gene, results from an A to G substitution at nucleotide position 22. The arginine at codon 8 is replaced by glycine, an amino acid with dissimilar properties. This amino acid position is highly conserved in available vertebrate species. In addition, the in silico prediction for this alteration is inconclusive. Based on the available evidence, the clinical significance of this variant remains unclear.